The following is an entry in ClinVar:

ClinVar aggregate classification (germline): Uncertain significance (0 of 4 stars; one submission).

Conditions:
CLPB-related disorder. Also called: CLPB-related condition.

gnomAD v4.1: 4 of 1,614,136 alleles (0.00025%); highest among the groups gnomAD compares: Middle Eastern, 0.017%; no homozygotes.

Submission:

PreventionGenetics, part of Exact Sciences
Classification: Uncertain significance for CLPB-related condition. Last evaluated: 2024-04-16. Review status: no assertion criteria provided. Collection method: clinical testing. Allele origin: germline.
Comment: The CLPB c.2050G>C variant is predicted to result in the amino acid substitution p.Asp684His. To our knowledge, this variant has not been reported in the literature or in a large population database, indicating this variant is rare. At this time, the clinical significance of this variant is uncertain due to the absence of conclusive functional and genetic evidence.

NM_001258392.3(CLPB):c.1960G>C (p.Asp654His)

Gene: CLPB (ClpB family mitochondrial disaggregase; minus strand). Cytogenetic location: 11q13.4.
Variant type: single nucleotide variant.
Coding change: c.1960G>C on transcript NM_001258392.3 (MANE Select); coding-DNA position 1960, G replaced by C.
Protein change: p.Asp654His; replaces aspartic acid 654 with histidine.
Molecular consequence: missense variant.
Genome position (GRCh38, 1-based): chr11:72,293,441, C>G on the plus strand (G>C on the coding strand, the complement: CLPB is on the minus strand). VCF-style: chr11-72293441-C-G. GRCh37 (hg19) VCF-style: chr11-72004485-C-G.
Other names: c.1873G>C, p.Asp625His (NM_001258393.3); c.1915G>C, p.Asp639His (NM_001258394.3); c.2050G>C, p.Asp684His (NM_030813.6); short protein forms D625H, D639H, D654H, D684H.
Identifiers: ClinVar variation 3348294 (VCV003348294.1).